The following is an entry in ClinVar:

ClinVar aggregate classification (germline): Uncertain significance (1 of 4 stars; one submission).

gnomAD v4.1: 2 of 1,613,894 alleles (0.00012%); highest among the groups gnomAD compares: Non-Finnish European, 0.00017%; no homozygotes.

Submission:

Labcorp Genetics (formerly Invitae), Labcorp
Classification: Uncertain significance. Last evaluated: 2024-04-25. Review status: criteria provided, single submitter. Criteria: Invitae Variant Classification Sherloc (09022015). Collection method: clinical testing. Allele origin: germline.
Comment: This sequence change replaces glycine, which is neutral and non-polar, with aspartic acid, which is acidic and polar, at codon 581 of the WFS1 protein (p.Gly581Asp). This variant is not present in population databases (gnomAD no frequency). This variant has not been reported in the literature in individuals affected with WFS1-related conditions. Advanced modeling of protein sequence and biophysical properties (such as structural, functional, and spatial information, amino acid conservation, physicochemical variation, residue mobility, and thermodynamic stability) performed at Invitae indicates that this missense variant is not expected to disrupt WFS1 protein function with a negative predictive value of 95%. In summary, the available evidence is currently insufficient to determine the role of this variant in disease. Therefore, it has been classified as a Variant of Uncertain Significance.

NM_006005.3(WFS1):c.1742G>A (p.Gly581Asp)

Gene: WFS1 (wolframin ER transmembrane glycoprotein; plus strand). Cytogenetic location: 4p16.1.
Variant type: single nucleotide variant.
Coding change: c.1742G>A on transcript NM_006005.3 (MANE Select); coding-DNA position 1742, G replaced by A.
Protein change: p.Gly581Asp; replaces glycine 581 with aspartic acid.
Molecular consequence: missense variant.
Genome position (GRCh38, 1-based): chr4:6,301,537, G>A. VCF-style: chr4-6301537-G-A. GRCh37 (hg19) VCF-style: chr4-6303264-G-A.
Other names: c.1742G>A, p.Gly581Asp (NM_001145853.1); short protein forms G581D.
Identifiers: ClinVar variation 3687973 (VCV003687973.2).